The following is an entry in ClinVar:

NM_000397.4(CYBB):c.252G>C (p.Ala84=)

Gene: CYBB (cytochrome b-245 beta chain; plus strand). Cytogenetic location: Xp21.1.
Variant type: single nucleotide variant.
Coding change: c.252G>C on transcript NM_000397.4 (MANE Select); coding-DNA position 252, G replaced by C.
Protein change: p.Ala84=; no amino-acid change (alanine 84 retained).
Molecular consequence: synonymous variant.
Genome position (GRCh38, 1-based): chrX:37,783,600, G>C. VCF-style: chrX-37783600-G-C. GRCh37 (hg19) VCF-style: chrX-37642853-G-C.
Identifiers: ClinVar variation 2720043 (VCV002720043.3), dbSNP rs387906485, ClinGen allele CA515669232.

ClinVar aggregate classification (germline): Uncertain significance (1 of 4 stars; one submission).

Conditions:
Granulomatous disease, chronic, X-linked. Also called: GRANULOMATOUS DISEASE, CHRONIC, X-LINKED, SOMATIC MOSAIC; CYTOCHROME b-NEGATIVE GRANULOMATOUS DISEASE, CHRONIC, X-LINKED. Identifiers: Orphanet 379, MedGen C1844376, MONDO:0010600, OMIM 306400.

Submission:

Labcorp Genetics (formerly Invitae), Labcorp
Classification: Uncertain significance for Granulomatous disease, chronic, X-linked. Last evaluated: 2023-08-02. Review status: criteria provided, single submitter. Criteria: Invitae Variant Classification Sherloc (09022015). Collection method: clinical testing. Allele origin: germline.
Comment: Variants that disrupt the consensus splice site are a relatively common cause of aberrant splicing (PMID: 17576681, 9536098). Algorithms developed to predict the effect of sequence changes on RNA splicing suggest that this variant may disrupt the consensus splice site. In summary, the available evidence is currently insufficient to determine the role of this variant in disease. Therefore, it has been classified as a Variant of Uncertain Significance. This variant disrupts the c.252G nucleotide in the CYBB gene. Other variant(s) that disrupt this nucleotide have been determined to be pathogenic (PMID: 8634410, 11435314, 18546332, 29560547, 30470980). This suggests that this nucleotide is clinically significant, and that variants that disrupt this position are likely to be disease-causing. This variant has been observed in individual(s) with clinical features of CYBB-related conditions (Invitae). This variant is not present in population databases (gnomAD no frequency). This sequence change affects codon 84 of the CYBB mRNA. It is a 'silent' change, meaning that it does not change the encoded amino acid sequence of the CYBB protein. This variant also falls at the last nucleotide of exon 3, which is part of the consensus splice site for this exon.

Literature cited by the submitters: PubMed 17576681; PubMed 9536098; PubMed 8634410; PubMed 11435314; PubMed 18546332; PubMed 29560547; PubMed 30470980.